The following is an entry in ClinVar:

ClinVar aggregate classification (germline): Uncertain significance (1 of 4 stars; one submission).

Submission:

GeneDx
Classification: Uncertain significance. Last evaluated: 2019-08-22. Review status: criteria provided, single submitter. Criteria: GeneDx Variant Classification Process June 2021. Collection method: clinical testing. Allele origin: germline. Affected: yes.
Comment: Not observed in large population cohorts (Lek et al., 2016); Canonical splice site variant predicted to result in an in-frame deletion of exon 11; Has not been previously published as pathogenic or benign to our knowledge

NM_001330311.2(DVL1):c.1204_1207+6del

Gene: DVL1 (dishevelled segment polarity protein 1; minus strand). Cytogenetic location: 1p36.33.
Variant type: Deletion.
Coding change: c.1204_1207+6del on transcript NM_001330311.2 (MANE Select); coding-DNA position 1204 through 6 bases into the intron after coding-DNA position 1207, 10 bases deleted (CCACGTAAGT; older notation c.1204_1207+6delCCACGTAAGT).
Molecular consequence: splice donor variant. On other transcripts: intron variant (1).
Genome position (GRCh38, 1-based): chr1:1,339,281-1,339,290, ACTTACGTGG deleted on the plus strand (CCACGTAAGT on the coding strand, the reverse complement: DVL1 is on the minus strand); deleting any 10 consecutive bases within chr1:1,339,281-1,339,291 gives the same sequence; the c. name uses the placement nearest the transcript's 3' end. VCF-style (leftmost placement, unchanged base first): chr1-1339280-CACTTACGTGG-C. GRCh37 (hg19) VCF-style: chr1-1274660-CACTTACGTGG-C.
Other names: c.1132+72_1132+81del (NM_004421.3).
Identifiers: ClinVar variation 1307984 (VCV001307984.2), dbSNP rs2100724681, ClinGen allele CA2573051357.